The following is an entry in ClinVar:

NM_001393504.1(MAST3):c.1102G>A (p.Glu368Lys)

Gene: MAST3 (microtubule associated serine/threonine kinase 3; plus strand). Cytogenetic location: 19p13.11.
Variant type: single nucleotide variant.
Coding change: c.1102G>A on transcript NM_001393504.1 (MANE Select); coding-DNA position 1102, G replaced by A.
Protein change: p.Glu368Lys; replaces glutamic acid 368 with lysine.
Molecular consequence: missense variant.
Genome position (GRCh38, 1-based): chr19:18,128,423, G>A. VCF-style: chr19-18128423-G-A. GRCh37 (hg19) VCF-style: chr19-18239233-G-A.
Other names: c.1015G>A (NM_015016.1); c.1126G>A, p.Glu376Lys (NM_001393501.1); c.1105G>A, p.Glu369Lys (NM_001393502.1); c.1102G>A, p.Glu368Lys (NM_001393503.1); c.1099G>A, p.Glu367Lys (NM_001393505.1); c.1054G>A, p.Glu352Lys (NM_001393506.1, NM_001393513.1); c.1081G>A, p.Glu361Lys (NM_001393507.1); c.1036G>A, p.Glu346Lys (NM_001393508.1, NM_001393516.1); and 5 more; short protein forms E330K, E338K, E339K, E344K, E345K, E346K, E352K, E361K.
Identifiers: ClinVar variation 3362297 (VCV003362297.4).
Genomic context (GRCh38, chr19:18,128,423, plus strand): 5'-GGGAGGCTCCAGCTGAGCCTCCTCCCTCATCTTGCAGAGATGGTGCCACTGAGTCACCTC[G>A]AAGAAGAACAGCCCCCAGCACCTGAGTCCCCAGAGGTGAGTAGCAGAGGCTGGGGGACCC-3'
Protein context (NP_001380433.1, residues 358-378): LEEMVPLSHL[Glu368Lys]EEQPPAPESP

ClinVar aggregate classification (germline): Uncertain significance. Review status: criteria provided, multiple submitters, no conflicts (2 of 4 stars). 2 submissions from 2 submitters: Uncertain significance (2). Last evaluated 2025-02-25.

Conditions:
Inborn genetic diseases. Identifiers: MedGen C0950123, MeSH D030342.
Developmental and epileptic encephalopathy 108 (DEE108). Identifiers: MedGen C5774253, MONDO:0859314, OMIM 620115.

gnomAD v4.1: 13 of 1,556,242 alleles (0.00084%); highest among the groups gnomAD compares: South Asian, 0.0012%; no homozygotes.

Submissions (2):

Ambry Genetics
Classification: Uncertain significance for Inborn genetic diseases. Last evaluated: 2025-02-25. Review status: criteria provided, single submitter. Criteria: Ambry Variant Classification Scheme 2023. Collection method: clinical testing. Allele origin: germline.

Neuberg Centre For Genomic Medicine, NCGM
Classification: Uncertain significance for Developmental and epileptic encephalopathy 108. Last evaluated: 2023-06-02. Review status: criteria provided, single submitter. Criteria: ACMG Guidelines, 2015. Collection method: clinical testing. Allele origin: germline. Inheritance: Autosomal dominant inheritance. Affected: yes.
Comment: The missense variant c.1015G>A(p.Glu339Lys) in MAST3 gene has not been reported previously as a pathogenic variant nor as a benign variant, to our knowledge. The c.1015G>A(p.Glu339Lys) variant has 0.001% allele frequency in gnomAD Exomes. The amino acid Glu at position 339 is changed to a Lys changing protein sequence and it might alter its composition and physico-chemical properties. The reference amino acid p.Glu339Lys in MAST3 is predicted as conserved by GERP++ and PhyloP across 100 vertebrates. For these reasons, this variant has been classified as Uncertain Significance.